The following is an entry in ClinVar:

ClinVar aggregate classification (germline): Likely benign. Review status: criteria provided, multiple submitters, no conflicts (2 of 4 stars). 7 submissions from 7 submitters: Likely benign (7). Last evaluated 2025-11-12.

Conditions:
Hereditary cancer-predisposing syndrome. Also called: Tumor predisposition; Hereditary neoplastic syndrome; Hereditary Cancer Syndrome; Neoplastic Syndromes, Hereditary. Identifiers: Orphanet 140162, MedGen C0027672, MeSH D009386, MONDO:0015356.
Multiple endocrine neoplasia, type 2 (MEN2). Identifiers: Orphanet 653, MedGen C4048306, MONDO:0019003. Disease mechanism: gain of function.

Allele frequency attached by ClinVar (database versions not stated): TOPMed below 0.00001; gnomAD 0.00001; gnomAD exomes 0.00001 and 0.00002; ExAC 0.00003.
gnomAD v4.1: 21 of 1,613,928 alleles (0.0013%); highest among the groups gnomAD compares: Admixed American, 0.0017%; no homozygotes.

Submissions (7):

Labcorp Genetics (formerly Invitae), Labcorp
Classification: Likely benign for Multiple endocrine neoplasia, type 2. Last evaluated: 2025-11-12. Review status: criteria provided, single submitter. Criteria: Invitae Variant Classification Sherloc (09022015). Collection method: clinical testing. Allele origin: germline.

CeGaT Center for Human Genetics Tuebingen
Classification: Likely benign. Last evaluated: 2024-06-01. Review status: criteria provided, single submitter. Criteria: CeGaT Center For Human Genetics Tuebingen Variant Classification Criteria Version 2. Collection method: clinical testing. Allele origin: germline. Affected: yes. Observed: 1 variant allele.
Comment: RET: BP4, BP7

All of Us Research Program, National Institutes of Health
Classification: Likely benign for Multiple endocrine neoplasia, type 2. Last evaluated: 2024-02-05. Review status: criteria provided, single submitter. Criteria: ACMG Guidelines, 2015. Collection method: clinical testing. Allele origin: germline. Inheritance: Autosomal dominant inheritance. Observed: 6 variant alleles, 5 heterozygotes, 1 homozygote.
Comment: This study involves interpretation of variants in research participants for the purpose of population health screening. Participant phenotype was not available at the time of variant classification. Additional details can be found in publication PMID: 35346344, PMCID: PMC8962531

Quest Diagnostics Nichols Institute San Juan Capistrano
Classification: Likely benign. Last evaluated: 2023-06-16. Review status: criteria provided, single submitter. Criteria: Quest Diagnostics criteria. Collection method: clinical testing. Allele origin: unknown.

Color Diagnostics, LLC DBA Color Health
Classification: Likely benign for Multiple endocrine neoplasia, type 2. Last evaluated: 2022-11-11. Review status: criteria provided, single submitter. Criteria: ACMG Guidelines, 2015. Collection method: clinical testing. Allele origin: germline.

Ambry Genetics
Classification: Likely benign for Hereditary cancer-predisposing syndrome. Last evaluated: 2018-11-06. Review status: criteria provided, single submitter. Criteria: Ambry Variant Classification Scheme 2023. Collection method: clinical testing. Allele origin: germline.

Blueprint Genetics
Classification: Likely benign. Last evaluated: 2017-09-12. Review status: criteria provided, single submitter. Criteria: ACMG Guidelines, 2015. Collection method: clinical testing. Allele origin: germline.

NM_020975.6(RET):c.3117G>A (p.Pro1039=)

Gene: RET (ret proto-oncogene; plus strand). Cytogenetic location: 10q11.21.
Variant type: single nucleotide variant.
Coding change: c.3117G>A on transcript NM_020975.6 (MANE Select); coding-DNA position 3117, G replaced by A.
Protein change: p.Pro1039=; no amino-acid change (proline 1039 retained).
Molecular consequence: synonymous variant.
Genome position (GRCh38, 1-based): chr10:43,126,652, G>A. VCF-style: chr10-43126652-G-A. GRCh37 (hg19) VCF-style: chr10-43622100-G-A.
Other names: c.3117G>A, p.Pro1039= (NM_000323.2, NM_001406743.1, NM_001406744.1 and 4 more transcripts); c.2355G>A, p.Pro785= (NM_001355216.2); c.2988G>A, p.Pro996= (NM_001406761.1, NM_001406762.1, NM_001406764.1); c.2982G>A, p.Pro994= (NM_001406763.1, NM_001406765.1); c.2829G>A, p.Pro943= (NM_001406766.1, NM_001406767.1, NM_001406770.1); c.2853G>A, p.Pro951= (NM_001406768.1); c.2721G>A, p.Pro907= (NM_001406769.1, NM_001406772.1); c.2679G>A, p.Pro893= (NM_001406771.1, NM_001406773.1); and 10 more.
Identifiers: ClinVar variation 413466 (VCV000413466.38), dbSNP rs775773414, ClinGen allele CA042653.